The following is an entry in ClinVar:

NM_007347.5(AP4E1):c.2076G>C (p.Glu692Asp)

Gene: AP4E1 (adaptor related protein complex 4 subunit epsilon 1; plus strand). Cytogenetic location: 15q21.2.
Variant type: single nucleotide variant.
Coding change: c.2076G>C on transcript NM_007347.5 (MANE Select); coding-DNA position 2076, G replaced by C.
Protein change: p.Glu692Asp; replaces glutamic acid 692 with aspartic acid.
Molecular consequence: missense variant.
Genome position (GRCh38, 1-based): chr15:50,984,131, G>C. VCF-style: chr15-50984131-G-C. GRCh37 (hg19) VCF-style: chr15-51276328-G-C.
Other names: c.1851G>C, p.Glu617Asp (NM_001252127.2); short protein forms E617D, E692D.
Identifiers: ClinVar variation 1396546 (VCV001396546.6), dbSNP rs2064682624, ClinGen allele CA392419137.
Genomic context (GRCh38, chr15:50,984,131, plus strand): 5'-TGGACGACAGTCTCCTGCTGGCATTTCTCTTGGTTCAGATGTATCTGGGAATAGTGCTGA[G>C]ACAGGACTGAAAGAGTAAGTTCATTTCTTATTAAAATTGAGGTTATGGGAGTGCTTAAAT-3'
Protein context (NP_031373.2, residues 682-702): LGSDVSGNSA[Glu692Asp]TGLKETNSLK

ClinVar aggregate classification (germline): Uncertain significance (1 of 4 stars; one submission).

Conditions:
Spastic paraplegia. Identifiers: MedGen C0037772, HP:0001258.

Allele frequency attached by ClinVar (database versions not stated): gnomAD exomes below 0.00001.
gnomAD v4.1: 2 of 1,613,212 alleles (0.00012%); highest among the groups gnomAD compares: South Asian, 0.0011%; no homozygotes.

Submission:

Labcorp Genetics (formerly Invitae), Labcorp
Classification: Uncertain significance for Spastic paraplegia. Last evaluated: 2023-10-13. Review status: criteria provided, single submitter. Criteria: Invitae Variant Classification Sherloc (09022015). Collection method: clinical testing. Allele origin: germline.
Comment: This sequence change replaces glutamic acid, which is acidic and polar, with aspartic acid, which is acidic and polar, at codon 692 of the AP4E1 protein (p.Glu692Asp). This variant is not present in population databases (gnomAD no frequency). This variant has not been reported in the literature in individuals affected with AP4E1-related conditions. ClinVar contains an entry for this variant (Variation ID: 1396546). Algorithms developed to predict the effect of missense changes on protein structure and function output the following: SIFT: "Not Available"; PolyPhen-2: "Benign"; Align-GVGD: "Not Available". The aspartic acid amino acid residue is found in multiple mammalian species, which suggests that this missense change does not adversely affect protein function. In summary, the available evidence is currently insufficient to determine the role of this variant in disease. Therefore, it has been classified as a Variant of Uncertain Significance.